The following is an entry in ClinVar:

ClinVar aggregate classification (germline): Uncertain significance (1 of 4 stars; one submission).

Conditions:
Inborn genetic diseases. Identifiers: MedGen C0950123, MeSH D030342.

Submission:

Ambry Genetics
Classification: Uncertain significance for Inborn genetic diseases. Last evaluated: 2025-05-19. Review status: criteria provided, single submitter. Criteria: Ambry Variant Classification Scheme 2023. Collection method: clinical testing. Allele origin: germline.
Comment: The p.A54P variant (also known as c.160G>C), located in coding exon 4 of the ASXL1 gene, results from a G to C substitution at nucleotide position 160. The alanine at codon 54 is replaced by proline, an amino acid with highly similar properties. This amino acid position is conserved. In addition, this alteration is predicted to be deleterious by in silico analysis. Based on the available evidence, the clinical significance of this variant remains unclear.

NM_015338.6(ASXL1):c.160G>C (p.Ala54Pro)

Gene: ASXL1 (ASXL transcriptional regulator 1; plus strand). Cytogenetic location: 20q11.21.
Variant type: single nucleotide variant.
Coding change: c.160G>C on transcript NM_015338.6 (MANE Select); coding-DNA position 160, G replaced by C.
Protein change: p.Ala54Pro; replaces alanine 54 with proline.
Molecular consequence: missense variant.
Genome position (GRCh38, 1-based): chr20:32,369,031, G>C. VCF-style: chr20-32369031-G-C. GRCh37 (hg19) VCF-style: chr20-30956834-G-C.
Other names: c.160G>C, p.Ala54Pro (NM_001164603.1); c.130G>C, p.Ala44Pro (NM_001363734.1); short protein forms A54P, A44P.
Identifiers: ClinVar variation 3957128 (VCV003957128.1).